The following is an entry in ClinVar:

NM_006118.4(HAX1):c.109G>T (p.Glu37Ter)

Gene: HAX1 (HCLS1 associated protein X-1; plus strand). Cytogenetic location: 1q21.3.
Variant type: single nucleotide variant.
Coding change: c.109G>T on transcript NM_006118.4 (MANE Select); coding-DNA position 109, G replaced by T.
Protein change: p.Glu37Ter; replaces glutamic acid 37 with a stop codon.
Molecular consequence: nonsense. On other transcripts: intron variant (1).
Genome position (GRCh38, 1-based): chr1:154,273,391, G>T. VCF-style: chr1-154273391-G-T. GRCh37 (hg19) VCF-style: chr1-154245867-G-T.
Other names: c.54-89G>T (NM_001018837.2); short protein forms E37*.
Identifiers: ClinVar variation 2632756 (VCV002632756.3), dbSNP rs201707963, ClinGen allele CA342591308.
Genomic context (GRCh38, chr1:154,273,391, plus strand): 5'-CTCAGCCACAGAGATCCCTTTTTTGGAGGGATGACTCGAGATGAAGATGATGATGAGGAA[G>T]AAGAAGAAGAAGGGGGCTCATGGGGCCGTGGGAACCCAAGGTTCCATAGTCCTCAGCACC-3'

ClinVar aggregate classification (germline): Pathogenic/Likely pathogenic. Review status: criteria provided, multiple submitters, no conflicts (2 of 4 stars). 2 submissions from 2 submitters: Pathogenic (1); Likely pathogenic (1). Last evaluated 2025-04-21.

Conditions:
HAX1-related disorder. Also called: HAX1-related condition.
Kostmann syndrome (SCN3). Also called: KOSTMANN DISEASE; Autosomal recessive severe congenital neutropenia type 3. Identifiers: Orphanet 99749, MedGen C5235141, MONDO:0012548, OMIM 610738.

Submissions (2):

Labcorp Genetics (formerly Invitae), Labcorp
Classification: Pathogenic for Kostmann syndrome. Last evaluated: 2025-04-21. Review status: criteria provided, single submitter. Criteria: Invitae Variant Classification Sherloc (09022015). Collection method: clinical testing. Allele origin: germline.
Comment: This sequence change creates a premature translational stop signal (p.Glu37*) in the HAX1 gene. It is expected to result in an absent or disrupted protein product. Loss-of-function variants in HAX1 are known to be pathogenic (PMID: 17187068). This variant is not present in population databases (gnomAD no frequency). This variant has not been reported in the literature in individuals affected with HAX1-related conditions. ClinVar contains an entry for this variant (Variation ID: 2632756). Algorithms developed to predict the effect of sequence changes on RNA splicing suggest that this variant may disrupt the consensus splice site. For these reasons, this variant has been classified as Pathogenic.

PreventionGenetics, part of Exact Sciences
Classification: Likely pathogenic for HAX1-related condition. Last evaluated: 2023-04-13. Review status: criteria provided, single submitter. Criteria: ACMG Guidelines, 2015. Collection method: clinical testing. Allele origin: germline.
Comment: The HAX1 c.109G>T variant is predicted to result in premature protein termination (p.Glu37*). To our knowledge, this variant has not been reported in the literature or in a large population database, indicating this variant is rare. Nonsense variants in HAX1 are expected to be pathogenic. This variant is interpreted as likely pathogenic.

Literature cited by the submitters: PubMed 17187068 (cited by Labcorp Genetics (formerly Invitae), Labcorp).